The following is an entry in ClinVar:

ClinVar aggregate classification (germline): Likely pathogenic (1 of 4 stars; one submission).

Conditions:
3-methylcrotonyl-CoA carboxylase 1 deficiency (MCC1D). Also called: MCCD TYPE 1; METHYLCROTONYLGLYCINURIA TYPE I; MCC 1 deficiency; 3 Alpha methylcrotonylglycinuria 1. Identifiers: Orphanet 6, MedGen CN028786, MONDO:0008861, OMIM 210200.

Submission:

Labcorp Genetics (formerly Invitae), Labcorp
Classification: Likely pathogenic for 3-methylcrotonyl-CoA carboxylase 1 deficiency. Last evaluated: 2025-09-09. Review status: criteria provided, single submitter. Criteria: Invitae Variant Classification Sherloc (09022015). Collection method: clinical testing. Allele origin: germline.
Comment: This sequence change affects a splice site in intron 15 of the MCCC1 gene. It is expected to disrupt RNA splicing. Variants that disrupt the donor or acceptor splice site typically lead to a loss of protein function (PMID: 16199547), and loss-of-function variants in MCCC1 are known to be pathogenic (PMID: 11181649, 15359379, 22642865). This variant is not present in population databases (gnomAD no frequency). This variant has not been reported in the literature in individuals affected with MCCC1-related conditions. Algorithms developed to predict the effect of sequence changes on RNA splicing suggest that this variant may disrupt the consensus splice site. In summary, the currently available evidence indicates that the variant is pathogenic, but additional data are needed to prove that conclusively. Therefore, this variant has been classified as Likely Pathogenic.

Literature cited by the submitters: PubMed 16199547; PubMed 11181649; PubMed 15359379; PubMed 22642865.

NM_020166.5(MCCC1):c.1732-2del

Gene: MCCC1 (methylcrotonyl-CoA carboxylase subunit 1; minus strand). Cytogenetic location: 3q27.1.
Variant type: Deletion.
Coding change: c.1732-2del on transcript NM_020166.5 (MANE Select); the canonical splice acceptor site of the intron before coding-DNA position 1732, one base deleted (A; older notation c.1732-2delA).
Molecular consequence: splice acceptor variant.
Genome position (GRCh38, 1-based): chr3:183,022,556, T deleted on the plus strand (A on the coding strand, the reverse complement: MCCC1 is on the minus strand). VCF-style (leftmost placement, unchanged base first): chr3-183022555-CT-C. GRCh37 (hg19) VCF-style: chr3-182740343-CT-C.
Other names: c.1405-2del (NM_001363880.1); c.1381-2del (NM_001293273.2).
Identifiers: ClinVar variation 4726865 (VCV004726865.1).